The following is an entry in ClinVar:

NM_001365276.2(TNXB):c.1086del (p.Tyr363fs)

Gene: TNXB (tenascin XB; minus strand). Cytogenetic location: 6p21.33.
Variant type: Deletion.
Coding change: c.1086del on transcript NM_001365276.2 (MANE Select); coding-DNA position 1086, one base deleted (G; older notation c.1086delG).
Protein change: p.Tyr363fs; shifts the reading frame from tyrosine 363.
Molecular consequence: frameshift variant.
Genome position (GRCh38, 1-based): chr6:32,096,767, C deleted on the plus strand (G on the coding strand, the reverse complement: TNXB is on the minus strand); the first of 3 consecutive C bases (chr6:32,096,767-32,096,769); deleting any one gives the same sequence. VCF-style (leftmost placement, unchanged base first): chr6-32096766-AC-A. GRCh37 (hg19) VCF-style: chr6-32064543-AC-A.
Other names: c.1086del, p.Tyr363fs (NM_001428335.1, NM_019105.8); short protein forms Y363fs.
Identifiers: ClinVar variation 5014309 (VCV005014309.1).

ClinVar aggregate classification (germline): Pathogenic (1 of 4 stars; one submission).

Conditions:
Ehlers-Danlos syndrome due to tenascin-X deficiency (EDSCLL1). Also called: Ehlers-Danlos syndrome, classic-like, 1; EHLERS-DANLOS SYNDROME, CLASSIC-LIKE; TNXB-Related Classical-Like Ehlers-Danlos Syndrome; EDS DUE TO TNX DEFICIENCY; TNX DEFICIENCY. Identifiers: Orphanet 230839, MedGen C1848029, MONDO:0011670, OMIM 606408.

Submission:

Myriad Genetics, Inc.
Classification: Pathogenic for Ehlers-Danlos syndrome due to tenascin-X deficiency. Last evaluated: 2025-04-07. Review status: criteria provided, single submitter. Criteria: Myriad Autosomal Dominant, Autosomal Recessive and X-Linked Classification Criteria (2023). Collection method: clinical testing. Allele origin: unknown.
Comment: NM_019105.6(TNXB):c.1086delG(Y363Tfs*208) is expected to be pathogenic in the context of classical-like Ehlers-Danlos syndrome, TNXB-related. This variant is predicted to lead to an abnormal or absent protein product due to the creation of a premature termination codon in TNXB, a gene where loss-of-function variants are known to be pathogenic. Please note: this variant was assessed in the context of healthy population screening.